The following is an entry in ClinVar:

NM_000214.3(JAG1):c.914C>T (p.Pro305Leu)

Gene: JAG1 (jagged canonical Notch ligand 1; minus strand). Cytogenetic location: 20p12.2.
Variant type: single nucleotide variant.
Coding change: c.914C>T on transcript NM_000214.3 (MANE Select); coding-DNA position 914, C replaced by T.
Protein change: p.Pro305Leu; replaces proline 305 with leucine.
Molecular consequence: missense variant.
Genome position (GRCh38, 1-based): chr20:10,652,223, G>A on the plus strand (C>T on the coding strand, the complement: JAG1 is on the minus strand). VCF-style: chr20-10652223-G-A. GRCh37 (hg19) VCF-style: chr20-10632871-G-A.
Other names: short protein forms P305L.
Identifiers: ClinVar variation 5006354 (VCV005006354.2).
Genomic context (GRCh38, chr20:10,652,223, plus strand): 5'-GGGCAGGAACACTGATATTTGTCAGGGCCTGTGTTGCTACAAGTTCCCCCGTTGAGACAC[G>A]GCTGATGAGTCCCACAGTAATTGAGATCTGCCAAAAAGATCCTGGAGTCACTAAGAGACG-3'
Protein context (NP_000205.1, residues 295-315): KDLNYCGTHQ[Pro305Leu]CLNGGTCSNT

ClinVar aggregate classification (germline): Uncertain significance (1 of 4 stars; one submission).

Conditions:
Alagille syndrome due to a JAG1 point mutation. Also called: Alagille Syndrome 1; HEPATIC DUCTULAR HYPOPLASIA, SYNDROMATIC; JAG1-Related Alagille Syndrome. Identifiers: Orphanet 261619, Orphanet 52, MedGen C1956125, MONDO:0016862, OMIM 118450.

gnomAD v4.1: 18 of 1,613,968 alleles (0.0011%); highest among the groups gnomAD compares: Non-Finnish European, 0.0013%; no homozygotes.

Submission:

Juno Genomics, Hangzhou Juno Genomics, Inc
Classification: Uncertain significance for Alagille syndrome due to a JAG1 point mutation. Review status: criteria provided, single submitter. Criteria: ACMG Guidelines, 2015. Collection method: clinical testing. Allele origin: germline.
Comment: Absent from controls (or at extremely low frequency if recessive) in Genome Aggregation Database.;Missense variant in a gene that has a low rate of benign missense variation.;Multiple lines of computational evidence support a deleterious effect on the gene or gene product.